The following is an entry in ClinVar:

ClinVar aggregate classification (germline): Benign. Review status: criteria provided, multiple submitters, no conflicts (2 of 4 stars). 2 submissions from 2 submitters: Benign (2). Last evaluated 2018-06-14.

Allele frequency attached by ClinVar (database versions not stated): 1000 Genomes Project 0.33546; 1000 Genomes Project 30x 0.33729; gnomAD 0.37234 and 0.37303; TOPMed 0.37759.
gnomAD v4.1: 56,641 of 152,042 alleles (37%); highest among the groups gnomAD compares: Admixed American, 52%; 11,262 homozygotes.

Submissions (2):

GeneDx
Classification: Benign. Last evaluated: 2018-06-14. Review status: criteria provided, single submitter. Criteria: GeneDx Variant Classification (06012015). Collection method: clinical testing. Allele origin: germline. Affected: yes.
Comment: This variant is considered likely benign or benign based on one or more of the following criteria: it is a conservative change, it occurs at a poorly conserved position in the protein, it is predicted to be benign by multiple in silico algorithms, and/or has population frequency not consistent with disease.

Breakthrough Genomics
Classification: Benign. Review status: criteria provided, single submitter. Criteria: ACMG Guidelines, 2015. Collection method: not provided. Allele origin: germline. Inheritance: Autosomal recessive inheritance. Affected: yes.

NM_206933.4(USH2A):c.9371+245C>T

Gene: USH2A (usherin; minus strand). Cytogenetic location: 1q41.
Variant type: single nucleotide variant.
Coding change: c.9371+245C>T on transcript NM_206933.4 (MANE Select); 245 bases into the intron after coding-DNA position 9371, C replaced by T.
Molecular consequence: intron variant.
Genome position (GRCh38, 1-based): chr1:215,837,746, G>A on the plus strand (C>T on the coding strand, the complement: USH2A is on the minus strand). VCF-style: chr1-215837746-G-A. GRCh37 (hg19) VCF-style: chr1-216011088-G-A.
Identifiers: ClinVar variation 678910 (VCV000678910.2), dbSNP rs2027355, ClinGen allele CA10823906.
Genomic context (GRCh38, chr1:215,837,746, plus strand): 5'-TTATGCTCCGCAAAAGGATTCACTAAAGGACACATTCAAATAAGGAGACATGTATTTCAA[G>A]TATTTGCTTACAGGTTACTAAATAAGAAATCTGAGGCTGGGCAATCAGGGAAATTAAAGA-3'